The following is an entry in ClinVar:

ClinVar aggregate classification (germline): Uncertain significance (1 of 4 stars; one submission).

gnomAD v4.1: 7 of 1,489,586 alleles (0.00047%); highest among the groups gnomAD compares: Non-Finnish European, 0.00053%; no homozygotes.

Submission:

Ambry Genetics
Classification: Uncertain significance. Last evaluated: 2025-05-08. Review status: criteria provided, single submitter. Criteria: Ambry Variant Classification Scheme 2023. Collection method: clinical testing. Allele origin: germline.
Comment: The p.P86L variant (also known as c.257C>T), located in coding exon 1 of the PALLD gene, results from a C to T substitution at nucleotide position 257. The proline at codon 86 is replaced by leucine, an amino acid with similar properties. This amino acid position is well conserved in available vertebrate species. In addition, this alteration is predicted to be tolerated by in silico analysis. The evidence for this gene-disease relationship is limited; therefore, the clinical significance of this alteration is unclear.

NM_001166108.2(PALLD):c.1965-12774C>T

Gene: PALLD (palladin, cytoskeletal associated protein; plus strand). Cytogenetic location: 4q32.3.
Variant type: single nucleotide variant.
Coding change: c.1965-12774C>T on transcript NM_001166108.2 (MANE Select); 12774 bases into the intron before coding-DNA position 1965, C replaced by T.
Molecular consequence: intron variant. On other transcripts: missense variant (1).
Genome position (GRCh38, 1-based): chr4:168,878,148, C>T. VCF-style: chr4-168878148-C-T. GRCh37 (hg19) VCF-style: chr4-169799299-C-T.
Other names: c.257C>T, p.Pro86Leu (NM_001166110.2); c.1965-12774C>T (NM_016081.4); c.819-12774C>T (NM_001166109.2); c.-157-12774C>T (NM_001367570.1, NM_001367568.1, NM_001367567.1 and 1 more transcripts); short protein forms P86L.
Identifiers: ClinVar variation 3927498 (VCV003927498.1).